The following is an entry in ClinVar:

NM_000282.4(PCCA):c.1879A>G (p.Ile627Val)

Gene: PCCA (propionyl-CoA carboxylase subunit alpha; plus strand). Cytogenetic location: 13q32.3.
Variant type: single nucleotide variant.
Coding change: c.1879A>G on transcript NM_000282.4 (MANE Select); coding-DNA position 1879, A replaced by G.
Protein change: p.Ile627Val; replaces isoleucine 627 with valine.
Molecular consequence: missense variant. On other transcripts: non-coding transcript variant (5), intron variant (2).
Genome position (GRCh38, 1-based): chr13:100,449,285, A>G. VCF-style: chr13-100449285-A-G. GRCh37 (hg19) VCF-style: chr13-101101539-A-G.
Other names: c.1801A>G, p.Ile601Val (NM_001127692.3, NM_001352607.2); c.1879A>G, p.Ile627Val (NM_001178004.2, NM_001352609.2); c.1735A>G, p.Ile579Val (NM_001352606.2); c.1657A>G, p.Ile553Val (NM_001352608.2); c.934A>G, p.Ile312Val (NM_001352610.2); c.790A>G, p.Ile264Val (NM_001352612.2); c.1845+23554A>G (NM_001352605.2); c.900+23554A>G (NM_001352611.2); short protein forms I579V, I601V, I312V, I264V, I553V, I627V.
Identifiers: ClinVar variation 1385499 (VCV001385499.5), dbSNP rs1163083290, ClinGen allele CA388695991.

ClinVar aggregate classification (germline): Uncertain significance (1 of 4 stars; one submission).

Conditions:
Propionic acidemia (PROP). Also called: GLYCINEMIA, KETOTIC; HYPERGLYCINEMIA WITH KETOACIDOSIS AND LEUKOPENIA; KETOTIC HYPERGLYCINEMIA. Identifiers: Orphanet 35, MedGen C0268579, MONDO:0011628, OMIM 606054, HP:0003571.

Allele frequency attached by ClinVar (database versions not stated): gnomAD 0.00001; gnomAD exomes 0.00001.
gnomAD v4.1: 10 of 1,541,606 alleles (0.00065%); highest among the groups gnomAD compares: Non-Finnish European, 0.00088%; no homozygotes.

Submission:

Labcorp Genetics (formerly Invitae), Labcorp
Classification: Uncertain significance for Propionic acidemia. Last evaluated: 2024-04-29. Review status: criteria provided, single submitter. Criteria: Invitae Variant Classification Sherloc (09022015). Collection method: clinical testing. Allele origin: germline.
Comment: This sequence change replaces isoleucine, which is neutral and non-polar, with valine, which is neutral and non-polar, at codon 627 of the PCCA protein (p.Ile627Val). This variant is present in population databases (no rsID available, gnomAD 0.002%). This variant has not been reported in the literature in individuals affected with PCCA-related conditions. ClinVar contains an entry for this variant (Variation ID: 1385499). Advanced modeling of protein sequence and biophysical properties (such as structural, functional, and spatial information, amino acid conservation, physicochemical variation, residue mobility, and thermodynamic stability) has been performed at Invitae for this missense variant, however the output from this modeling did not meet the statistical confidence thresholds required to predict the impact of this variant on PCCA protein function. In summary, the available evidence is currently insufficient to determine the role of this variant in disease. Therefore, it has been classified as a Variant of Uncertain Significance.